The following is an entry in ClinVar:

ClinVar aggregate classification (germline): Uncertain significance (1 of 4 stars; one submission).

gnomAD v4.1: 1 of 1,612,914 alleles (0.000062%); highest among the groups gnomAD compares: Non-Finnish European, 0.000085%; no homozygotes.

Submission:

Labcorp Genetics (formerly Invitae), Labcorp
Classification: Uncertain significance. Last evaluated: 2023-11-27. Review status: criteria provided, single submitter. Criteria: Invitae Variant Classification Sherloc (09022015). Collection method: clinical testing. Allele origin: germline.
Comment: This sequence change replaces glutamic acid, which is acidic and polar, with valine, which is neutral and non-polar, at codon 58 of the COL10A1 protein (p.Glu58Val). This variant is not present in population databases (gnomAD no frequency). This variant has not been reported in the literature in individuals affected with COL10A1-related conditions. ClinVar contains an entry for this variant (Variation ID: 2058640). Advanced modeling of protein sequence and biophysical properties (such as structural, functional, and spatial information, amino acid conservation, physicochemical variation, residue mobility, and thermodynamic stability) has been performed at Invitae for this missense variant, however the output from this modeling did not meet the statistical confidence thresholds required to predict the impact of this variant on COL10A1 protein function. In summary, the available evidence is currently insufficient to determine the role of this variant in disease. Therefore, it has been classified as a Variant of Uncertain Significance.

NM_000493.4(COL10A1):c.173A>T (p.Glu58Val)

Genes: COL10A1 (collagen type X alpha 1 chain; minus strand), NT5DC1 (5'-nucleotidase domain containing 1; plus strand). Cytogenetic location: 6q22.1.
Variant type: single nucleotide variant.
Coding change: c.173A>T on transcript NM_000493.4 (MANE Select); coding-DNA position 173, A replaced by T.
Protein change: p.Glu58Val; replaces glutamic acid 58 with valine.
Molecular consequence: missense variant. On other transcripts: intron variant (1).
Genome position (GRCh38, 1-based): chr6:116,121,943, T>A on the plus strand (A>T on the coding strand, the complement: COL10A1 is on the minus strand). VCF-style: chr6-116121943-T-A. GRCh37 (hg19) VCF-style: chr6-116443106-T-A.
Other names: c.173A>T, p.Glu58Val (NM_001424106.1, NM_001424107.1); c.529+3998T>A (NM_152729.3); short protein forms E58V.
Identifiers: ClinVar variation 2058640 (VCV002058640.4), dbSNP rs769827122, ClinGen allele CA365397175.
Genomic context (GRCh38, chr6:116,121,943, plus strand): 5'-CCAGAAGGACCTGGGTGCCCTCGAGGTCCAGCAGGGCCTGGTGGACCAGGAGTACCTTGC[T>A]CTCCTCTTACTGCTATACCTAAAAGACACACCCAACACACCCACCCATAGAAGGGGATGG-3'
Protein context (NP_000484.2, residues 48-68): IKSKGIAVRG[Glu58Val]QGTPGPPGPA